The following is an entry in ClinVar:

NM_181872.6(DMRT2):c.389G>C (p.Gly130Ala)

Gene: DMRT2 (doublesex and mab-3 related transcription factor 2; plus strand). Cytogenetic location: 9p24.3.
Variant type: single nucleotide variant.
Coding change: c.389G>C on transcript NM_181872.6 (MANE Select); coding-DNA position 389, G replaced by C.
Protein change: p.Gly130Ala; replaces glycine 130 with alanine.
Molecular consequence: missense variant. On other transcripts: 5 prime UTR variant (1), non-coding transcript variant (1).
Genome position (GRCh38, 1-based): chr9:1,052,002, G>C. VCF-style: chr9-1052002-G-C. GRCh37 (hg19) VCF-style: chr9-1052002-G-C.
Other names: c.389G>C, p.Gly130Ala (NM_001130865.3, NM_001370531.1, NM_001370533.1 and 4 more transcripts); c.-262G>C (NM_001370532.1); short protein forms G130A.
Identifiers: ClinVar variation 1906508 (VCV001906508.5), dbSNP rs745697838, ClinGen allele CA187867432.

ClinVar aggregate classification (germline): Uncertain significance (1 of 4 stars; one submission).

Allele frequency attached by ClinVar (database versions not stated): TOPMed below 0.00001; gnomAD 0.00001; gnomAD exomes 0.00002.

Submission:

Labcorp Genetics (formerly Invitae), Labcorp
Classification: Uncertain significance. Last evaluated: 2022-10-04. Review status: criteria provided, single submitter. Criteria: Invitae Variant Classification Sherloc (09022015). Collection method: clinical testing. Allele origin: germline.
Comment: This variant is not present in population databases (gnomAD no frequency). In summary, the available evidence is currently insufficient to determine the role of this variant in disease. Therefore, it has been classified as a Variant of Uncertain Significance. Algorithms developed to predict the effect of missense changes on protein structure and function are either unavailable or do not agree on the potential impact of this missense change (SIFT: "Deleterious"; PolyPhen-2: "Probably Damaging"; Align-GVGD: "Class C0"). This variant has not been reported in the literature in individuals affected with DMRT2-related conditions. This sequence change replaces glycine, which is neutral and non-polar, with alanine, which is neutral and non-polar, at codon 130 of the DMRT2 protein (p.Gly130Ala).